The following is an entry in ClinVar:

NM_033026.6(PCLO):c.4838G>A (p.Arg1613Gln)

Gene: PCLO (piccolo presynaptic cytomatrix protein; minus strand). Cytogenetic location: 7q21.11.
Variant type: single nucleotide variant.
Coding change: c.4838G>A on transcript NM_033026.6 (MANE Select); coding-DNA position 4838, G replaced by A.
Protein change: p.Arg1613Gln; replaces arginine 1613 with glutamine.
Molecular consequence: missense variant.
Genome position (GRCh38, 1-based): chr7:82,956,115, C>T on the plus strand (G>A on the coding strand, the complement: PCLO is on the minus strand). VCF-style: chr7-82956115-C-T. GRCh37 (hg19) VCF-style: chr7-82585431-C-T.
Other names: c.4838G>A, p.Arg1613Gln (NM_014510.3); c.4838G>A (NM_033026.5); short protein forms R1613Q.
Identifiers: ClinVar variation 1446755 (VCV001446755.8), dbSNP rs369016904, ClinGen allele CA4320755.

ClinVar aggregate classification (germline): Conflicting classifications of pathogenicity. Review status: criteria provided, conflicting classifications (1 of 4 stars). 2 submissions from 2 submitters: Uncertain significance (1); Likely benign (1). Last evaluated 2026-02-10.

Conditions:
Inborn genetic diseases. Identifiers: MedGen C0950123, MeSH D030342.

Allele frequency attached by ClinVar (database versions not stated): TOPMed 0.00028; ExAC 0.00002; gnomAD exomes 0.00002; gnomAD 0.00003 and 0.00017; ESP Exome Variant Server 0.00016.
gnomAD v4.1: 52 of 1,609,662 alleles (0.0032%); highest among the groups gnomAD compares: East Asian, 0.0045%; 1 homozygote.

Submissions (2):

Ambry Genetics
Classification: Likely benign for Inborn genetic diseases. Last evaluated: 2026-02-10. Review status: criteria provided, single submitter. Criteria: Ambry Variant Classification Scheme 2023. Collection method: clinical testing. Allele origin: germline.

Labcorp Genetics (formerly Invitae), Labcorp
Classification: Uncertain significance. Last evaluated: 2024-01-22. Review status: criteria provided, single submitter. Criteria: Invitae Variant Classification Sherloc (09022015). Collection method: clinical testing. Allele origin: germline.
Comment: This sequence change replaces arginine, which is basic and polar, with glutamine, which is neutral and polar, at codon 1613 of the PCLO protein (p.Arg1613Gln). This variant is present in population databases (rs369016904, gnomAD 0.01%). This variant has not been reported in the literature in individuals affected with PCLO-related conditions. ClinVar contains an entry for this variant (Variation ID: 1446755). Experimental studies and prediction algorithms are not available or were not evaluated, and the functional significance of this variant is currently unknown. In summary, the available evidence is currently insufficient to determine the role of this variant in disease. Therefore, it has been classified as a Variant of Uncertain Significance.